The following is an entry in ClinVar:

NM_006306.4(SMC1A):c.2078G>T (p.Arg693Leu)

Gene: SMC1A (structural maintenance of chromosomes 1A; minus strand). Cytogenetic location: Xp11.22.
Variant type: single nucleotide variant.
Coding change: c.2078G>T on transcript NM_006306.4 (MANE Select); coding-DNA position 2078, G replaced by T.
Protein change: p.Arg693Leu; replaces arginine 693 with leucine.
Molecular consequence: missense variant.
Genome position (GRCh38, 1-based): chrX:53,405,130, C>A on the plus strand (G>T on the coding strand, the complement: SMC1A is on the minus strand). VCF-style: chrX-53405130-C-A. GRCh37 (hg19) VCF-style: chrX-53432062-C-A.
Other names: c.2012G>T, p.Arg671Leu (NM_001281463.1); short protein forms R671L, R693L.
Identifiers: ClinVar variation 5020030 (VCV005020030.1).
Genomic context (GRCh38, chrX:53,405,130, plus strand): 5'-TTGAGCCGCATCTGCAGTCCATGGGCCTGAGACTGCACCTGACGCAGCTCTGCCTCTTTC[C>A]GTTTTGCCTTCATCTGCTCCTGAAGGGAACAAGAAAGAAGGGCTAGGTGGTAAGGTGGTG-3'
Protein context (NP_006297.2, residues 683-703): EELKEQMKAK[Arg693Leu]KEAELRQVQS

ClinVar aggregate classification (germline): Uncertain significance (1 of 4 stars; one submission).

Conditions:
Congenital muscular hypertrophy-cerebral syndrome (CDLS2). Also called: SMC1A-Related Cornelia de Lange Syndrome; Cornelia de Lange syndrome 2. Identifiers: Orphanet 199, MedGen C1802395, MONDO:0010370, OMIM 300590.
Developmental and epileptic encephalopathy, 85, with or without midline brain defects. Also called: EPILEPTIC ENCEPHALOPATHY, EARLY INFANTILE, 85, WITH OR WITHOUT MIDLINE BRAIN DEFECTS. Identifiers: MedGen C5393312, MONDO:0026771, OMIM 301044.

Submission:

Juno Genomics, Hangzhou Juno Genomics, Inc
Classification: Uncertain significance for Congenital muscular hypertrophy-cerebral syndrome; Developmental and epileptic encephalopathy, 85, with or without midline brain defects. Review status: criteria provided, single submitter. Criteria: ACMG Guidelines, 2015. Collection method: clinical testing. Allele origin: germline. Affected: yes.
Comment: Absent from controls (or at extremely low frequency if recessive) in Genome Aggregation Database.;Novel missense change at an amino acid residue where a different missense change determined to be pathogenic has been seen before.;Multiple lines of computational evidence support a deleterious effect on the gene or gene product.